The following is an entry in ClinVar:

NC_000004.11:g.(?_52890123)_(52904425_?)dup

Gene: SGCB (sarcoglycan beta; minus strand). Cytogenetic location: 4q12.
Variant type: Duplication.
Identifiers: ClinVar variation 2422617 (VCV002422617.5).

ClinVar aggregate classification (germline): Uncertain significance (1 of 4 stars; one submission).

Conditions:
Autosomal recessive limb-girdle muscular dystrophy type 2E (LGMDR4). Also called: MUSCULAR DYSTROPHY, LIMB-GIRDLE, AUTOSOMAL RECESSIVE 4. Identifiers: Orphanet 119, MedGen C1858593, MONDO:0011423, OMIM 604286. Disease mechanism: Affects gamma-sarcoglycan and also disrupts the integrity of the entire sarcoglycan complex..

Submission:

Labcorp Genetics (formerly Invitae), Labcorp
Classification: Uncertain significance for Autosomal recessive limb-girdle muscular dystrophy type 2E. Last evaluated: 2022-08-06. Review status: criteria provided, single submitter. Criteria: Invitae Variant Classification Sherloc (09022015). Collection method: clinical testing. Allele origin: germline.
Comment: A copy number gain of the genomic region encompassing the full coding sequence of the SGCB gene has been identified. The boundaries of this event are unknown as they extend beyond the assayed region for this gene and therefore may encompass additional genes. As the precise location of this event is unknown, it may be in tandem or it may be located elsewhere in the genome. This variant has not been reported in the literature in individuals affected with SGCB-related conditions. In summary, the available evidence is currently insufficient to determine the role of this variant in disease. Therefore, it has been classified as a Variant of Uncertain Significance.